The following is an entry in ClinVar:

ClinVar aggregate classification (germline): Uncertain significance (1 of 4 stars; one submission).

Allele frequency attached by ClinVar (database versions not stated): TOPMed below 0.00001; gnomAD 0.00002.
gnomAD v4.1: 5 of 1,612,328 alleles (0.00031%); highest among the groups gnomAD compares: Admixed American, 0.0067%; no homozygotes.

Submission:

Labcorp Genetics (formerly Invitae), Labcorp
Classification: Uncertain significance. Last evaluated: 2025-11-24. Review status: criteria provided, single submitter. Criteria: Invitae Variant Classification Sherloc (09022015). Collection method: clinical testing. Allele origin: germline.
Comment: This sequence change replaces leucine, which is neutral and non-polar, with valine, which is neutral and non-polar, at codon 472 of the THBD protein (p.Leu472Val). This variant is present in population databases (no rsID available, gnomAD 0.009%). This variant has not been reported in the literature in individuals affected with THBD-related conditions. ClinVar contains an entry for this variant (Variation ID: 2181877). Invitae Evidence Modeling of protein sequence and biophysical properties (such as structural, functional, and spatial information, amino acid conservation, physicochemical variation, residue mobility, and thermodynamic stability) indicates that this missense variant is not expected to disrupt THBD protein function with a negative predictive value of 80%. In summary, the available evidence is currently insufficient to determine the role of this variant in disease. Therefore, it has been classified as a Variant of Uncertain Significance.

NM_000361.3(THBD):c.1414C>G (p.Leu472Val)

Gene: THBD (thrombomodulin; minus strand). Cytogenetic location: 20p11.21.
Variant type: single nucleotide variant.
Coding change: c.1414C>G on transcript NM_000361.3 (MANE Select); coding-DNA position 1414, C replaced by G.
Protein change: p.Leu472Val; replaces leucine 472 with valine.
Molecular consequence: missense variant.
Genome position (GRCh38, 1-based): chr20:23,048,091, G>C on the plus strand (C>G on the coding strand, the complement: THBD is on the minus strand). VCF-style: chr20-23048091-G-C. GRCh37 (hg19) VCF-style: chr20-23028728-G-C.
Other names: short protein forms L472V.
Identifiers: ClinVar variation 2181877 (VCV002181877.4), dbSNP rs1443161872, ClinGen allele CA408405568.